The following is an entry in ClinVar:

NM_001267550.2(TTN):c.103787G>A (p.Arg34596His)

Genes: TTN (titin; minus strand), TTN-AS1 (TTN antisense RNA 1; plus strand). Cytogenetic location: 2q31.2.
Variant type: single nucleotide variant.
Coding change: c.103787G>A on transcript NM_001267550.2 (MANE Select); coding-DNA position 103787, G replaced by A.
Protein change: p.Arg34596His; replaces arginine 34596 with histidine.
Molecular consequence: missense variant.
Genome position (GRCh38, 1-based): chr2:178,532,828, C>T on the plus strand (G>A on the coding strand, the complement: TTN is on the minus strand). VCF-style: chr2-178532828-C-T. GRCh37 (hg19) VCF-style: chr2-179397555-C-T.
Other names: c.98864G>A, p.Arg32955His (NM_001256850.1); c.76592G>A, p.Arg25531His (NM_003319.4); c.96083G>A, p.Arg32028His (NM_133378.4); c.76967G>A, p.Arg25656His (NM_133432.3); c.77168G>A, p.Arg25723His (NM_133437.4); short protein forms R32028H, R34596H, R25656H, R25723H, R32955H, R25531H.
Identifiers: ClinVar variation 497011 (VCV000497011.19), dbSNP rs762235688, ClinGen allele CA1985541.

ClinVar aggregate classification (germline): Conflicting classifications of pathogenicity. Review status: criteria provided, conflicting classifications (1 of 4 stars). 7 submissions from 7 submitters: Uncertain significance (5); Likely benign (2). Last evaluated 2026-03-06.

Conditions:
TTN-related disorder. Also called: TTN-related condition; TTN-related disease; TTN-related disorders.
Cardiovascular phenotype. Identifiers: MedGen CN230736.
Dilated cardiomyopathy 1G (CMD1G). Identifiers: Orphanet 154, MedGen C1858763, MONDO:0011400, OMIM 604145.
Autosomal recessive limb-girdle muscular dystrophy type 2J (LGMDR10). Also called: Limb-girdle muscular dystrophy, type 2J; MUSCULAR DYSTROPHY, LIMB-GIRDLE, AUTOSOMAL RECESSIVE 10. Identifiers: Orphanet 140922, MedGen C1837342, MONDO:0012127, OMIM 608807.
Early-onset myopathy with fatal cardiomyopathy (CMYO5). Also called: Salih Myopathy; CONGENITAL MYOPATHY 5 WITH CARDIOMYOPATHY. Identifiers: Orphanet 289377, MedGen C2673677, MONDO:0012714, OMIM 611705. Disease mechanism: loss of function.
Tibial muscular dystrophy (TMD). Also called: Tibial muscular dystrophy, tardive; UDD MYOPATHY; Udd Distal Myopathy – Tibial Muscular Dystrophy. Identifiers: Orphanet 609, MedGen C1838244, MONDO:0010870, OMIM 600334.
Hypertrophic cardiomyopathy 9. Also called: Familial hypertrophic cardiomyopathy 9. Identifiers: MedGen C1861065, MONDO:0013412, OMIM 613765.
Myopathy, myofibrillar, 9, with early respiratory failure (MFM9). Also called: EDSTROM MYOPATHY; Myopathy, distal, with early respiratory failure, autosomal dominant; Hereditary myopathy with early respiratory failure; MYOPATHY, PROXIMAL, WITH EARLY RESPIRATORY MUSCLE INVOLVEMENT. Identifiers: Orphanet 178464, Orphanet 34521, MedGen C1863599, MONDO:0011362, OMIM 603689.

Allele frequency attached by ClinVar (database versions not stated): gnomAD exomes below 0.00001; ExAC 0.00001; gnomAD 0.00001 and 0.00002; TOPMed 0.00002.
gnomAD v4.1: 27 of 1,613,768 alleles (0.0017%); highest among the groups gnomAD compares: Non-Finnish European, 0.0023%; no homozygotes.

Submissions (7):

PreventionGenetics, part of Exact Sciences
Classification: Uncertain significance for TTN-related condition. Last evaluated: 2026-03-06. Review status: criteria provided, single submitter. Criteria: ACMG Guidelines, 2015. Collection method: clinical testing. Allele origin: germline.
Comment: The TTN c.103787G>A variant is predicted to result in the amino acid substitution p.Arg34596His. To our knowledge, this variant has not been reported in the literature. This variant is reported in 0.00089% of alleles in individuals of European (Non-Finnish) descent in gnomAD. At this time, the clinical significance of this variant is uncertain due to the absence of conclusive functional and genetic evidence.

Labcorp Genetics (formerly Invitae), Labcorp
Classification: Uncertain significance for Dilated cardiomyopathy 1G; Autosomal recessive limb-girdle muscular dystrophy type 2J. Last evaluated: 2026-01-06. Review status: criteria provided, single submitter. Criteria: Invitae Variant Classification Sherloc (09022015). Collection method: clinical testing. Allele origin: germline.
Comment: This sequence change replaces arginine, which is basic and polar, with histidine, which is basic and polar, at codon 34596 of the TTN protein (p.Arg34596His). The frequency data for this variant in the population databases is considered unreliable, as metrics indicate poor data quality at this position in the gnomAD database. This missense change has been observed in individual(s) with clinical features of TTN-related neuromuscular conditions (internal data). ClinVar contains an entry for this variant (Variation ID: 497011). Experimental studies and prediction algorithms are not available or were not evaluated, and the functional significance of this variant is currently unknown. This variant is located in the M band of TTN (PMID: 25589632). Non-truncating variants in this region may be relevant for neuromuscular disorders, but have not been definitively shown to cause cardiomyopathy (PMID: 23975875). In summary, the available evidence is currently insufficient to determine the role of this variant in disease. Therefore, it has been classified as a Variant of Uncertain Significance.

Revvity Omics, Revvity
Classification: Uncertain significance. Last evaluated: 2025-02-10. Review status: criteria provided, single submitter. Criteria: ACMG Guidelines, 2015. Collection method: clinical testing. Allele origin: germline.

Blueprint Genetics
Classification: Likely benign. Last evaluated: 2024-11-07. Review status: criteria provided, single submitter. Criteria: ACMG Guidelines, 2015. Collection method: clinical testing. Allele origin: germline.

Fulgent Genetics
Classification: Uncertain significance for Tibial muscular dystrophy; Myopathy, myofibrillar, 9, with early respiratory failure; Dilated cardiomyopathy 1G; Autosomal recessive limb-girdle muscular dystrophy type 2J; Early-onset myopathy with fatal cardiomyopathy; Hypertrophic cardiomyopathy 9. Last evaluated: 2021-11-29. Review status: criteria provided, single submitter. Criteria: ACMG Guidelines, 2015. Collection method: clinical testing. Allele origin: unknown.

Ambry Genetics
Classification: Likely benign for Cardiovascular phenotype. Last evaluated: 2020-09-28. Review status: criteria provided, single submitter. Criteria: Ambry Variant Classification Scheme 2023. Collection method: clinical testing. Allele origin: germline.

Eurofins Ntd Llc (ga)
Classification: Uncertain significance. Last evaluated: 2017-01-30. Review status: criteria provided, single submitter. Criteria: EGL Classification Definitions 2015. Collection method: clinical testing. Allele origin: germline. Observed: 2 variant alleles, 2 heterozygotes.

Literature cited by the submitters: PubMed 25589632 (cited by Labcorp Genetics (formerly Invitae), Labcorp); PubMed 23975875 (cited by Labcorp Genetics (formerly Invitae), Labcorp).